The following is an entry in ClinVar:

NM_001205293.3(CACNA1E):c.2347A>G (p.Ser783Gly)

Gene: CACNA1E (calcium voltage-gated channel subunit alpha1 E; plus strand). Cytogenetic location: 1q25.3.
Variant type: single nucleotide variant.
Coding change: c.2347A>G on transcript NM_001205293.3 (MANE Select); coding-DNA position 2347, A replaced by G.
Protein change: p.Ser783Gly; replaces serine 783 with glycine.
Molecular consequence: missense variant.
Genome position (GRCh38, 1-based): chr1:181,732,433, A>G. VCF-style: chr1-181732433-A-G. GRCh37 (hg19) VCF-style: chr1-181701569-A-G.
Other names: c.2347A>G, p.Ser783Gly (NM_000721.4); c.2290A>G, p.Ser764Gly (NM_001205294.2); c.2347A>G (NM_000721.3); short protein forms S764G, S783G.
Identifiers: ClinVar variation 2327722 (VCV002327722.4), dbSNP rs1172760783, ClinGen allele CA343617054.

ClinVar aggregate classification (germline): Uncertain significance. Review status: criteria provided, single submitter (1 of 4 stars). 2 submissions from 2 submitters: Uncertain significance (1). 1 of the submissions does not count toward it. Last evaluated 2022-11-18.

Conditions:
Inborn genetic diseases. Identifiers: MedGen C0950123, MeSH D030342.
CACNA1E-related disorder. Also called: CACNA1E-related condition.

Submissions (2):

Ambry Genetics
Classification: Uncertain significance for Inborn genetic diseases. Last evaluated: 2022-11-18. Review status: criteria provided, single submitter. Criteria: Ambry Variant Classification Scheme 2023. Collection method: clinical testing. Allele origin: germline.

PreventionGenetics, part of Exact Sciences
Classification: Uncertain significance for CACNA1E-related condition. Last evaluated: 2023-11-30. Review status: no assertion criteria provided. Collection method: clinical testing. Allele origin: germline. Not counted in ClinVar's aggregate classification.
Comment: The CACNA1E c.2347A>G variant is predicted to result in the amino acid substitution p.Ser783Gly. To our knowledge, this variant has not been reported in the literature or in a large population database, indicating this variant is rare. At this time, the clinical significance of this variant is uncertain due to the absence of conclusive functional and genetic evidence.